The following is an entry in ClinVar:

NM_021098.3(CACNA1H):c.6617C>T (p.Pro2206Leu)

Gene: CACNA1H (calcium voltage-gated channel subunit alpha1 H; plus strand). Cytogenetic location: 16p13.3.
Variant type: single nucleotide variant.
Coding change: c.6617C>T on transcript NM_021098.3 (MANE Select); coding-DNA position 6617, C replaced by T.
Protein change: p.Pro2206Leu; replaces proline 2206 with leucine.
Molecular consequence: missense variant.
Genome position (GRCh38, 1-based): chr16:1,220,549, C>T. VCF-style: chr16-1220549-C-T. GRCh37 (hg19) VCF-style: chr16-1270549-C-T.
Other names: c.6599C>T, p.Pro2200Leu (NM_001005407.2); short protein forms P2206L, P2200L.
Identifiers: ClinVar variation 581895 (VCV000581895.11), dbSNP rs754398374, ClinGen allele CA7802436.

ClinVar aggregate classification (germline): Conflicting classifications of pathogenicity. Review status: criteria provided, conflicting classifications (1 of 4 stars). 3 submissions from 3 submitters: Uncertain significance (2); Benign (1). Last evaluated 2023-07-07.

Conditions:
Idiopathic generalized epilepsy. Also called: Generalised epilepsy; EIG. Identifiers: MedGen C0270850, MONDO:0005579, OMIM 600669.
Hyperaldosteronism, familial, type IV (HALD4). Also called: FH IV; ALDOSTERONISM, PRIMARY, AND HYPERTENSION. Identifiers: Orphanet 642671, MedGen C4310756, MONDO:0014875, OMIM 617027.
Epilepsy, childhood absence, susceptibility to, 6. Identifiers: Orphanet 64280, MedGen C2749872, MONDO:0012763, OMIM 611942.

Allele frequency attached by ClinVar (database versions not stated): gnomAD exomes 0.00001; gnomAD 0.00002; TOPMed 0.00004; ExAC 0.00001.
gnomAD v4.1: 7 of 1,531,918 alleles (0.00046%); highest among the groups gnomAD compares: African/African-American, 0.0098%; no homozygotes.

Submissions (3):

Labcorp Genetics (formerly Invitae), Labcorp
Classification: Benign for Idiopathic generalized epilepsy; Hyperaldosteronism, familial, type IV. Last evaluated: 2023-07-07. Review status: criteria provided, single submitter. Criteria: Invitae Variant Classification Sherloc (09022015). Collection method: clinical testing. Allele origin: germline.

Fulgent Genetics
Classification: Uncertain significance for Epilepsy, childhood absence, susceptibility to, 6; Hyperaldosteronism, familial, type IV. Last evaluated: 2021-07-03. Review status: criteria provided, single submitter. Criteria: ACMG Guidelines, 2015. Collection method: clinical testing. Allele origin: unknown.

GeneDx
Classification: Uncertain significance. Last evaluated: 2020-07-02. Review status: criteria provided, single submitter. Criteria: GeneDx Variant Classification Process June 2021. Collection method: clinical testing. Allele origin: germline. Affected: yes.
Comment: Not observed at a significant frequency in large population cohorts (Lek et al., 2016); In silico analysis supports that this missense variant has a deleterious effect on protein structure/function; Has not been previously published as pathogenic or benign to our knowledge